The following is an entry in ClinVar:

ClinVar aggregate classification (germline): Uncertain significance (1 of 4 stars; one submission).

Submission:

GeneDx
Classification: Uncertain significance. Last evaluated: 2024-11-18. Review status: criteria provided, single submitter. Criteria: GeneDx Variant Classification Process June 2021. Collection method: clinical testing. Allele origin: germline. Affected: yes.
Comment: Not observed at significant frequency in large population cohorts (gnomAD); In silico analysis supports that this missense variant has a deleterious effect on protein structure/function; Has not been previously published as pathogenic or benign to our knowledge

NM_001365088.1(SLC12A6):c.640A>C (p.Thr214Pro)

Genes: SLC12A6 (solute carrier family 12 member 6; minus strand), LOC129390683 (MPRA-validated peak2292 silencer; plus strand). Cytogenetic location: 15q14.
Variant type: single nucleotide variant.
Coding change: c.640A>C on transcript NM_001365088.1 (MANE Select); coding-DNA position 640, A replaced by C.
Protein change: p.Thr214Pro; replaces threonine 214 with proline.
Molecular consequence: missense variant.
Genome position (GRCh38, 1-based): chr15:34,257,692, T>G on the plus strand (A>C on the coding strand, the complement: SLC12A6 is on the minus strand). VCF-style: chr15-34257692-T-G. GRCh37 (hg19) VCF-style: chr15-34549893-T-G.
Other names: c.463A>C, p.Thr155Pro (NM_001042494.2, NM_001042495.2); c.613A>C, p.Thr205Pro (NM_001042496.2); c.595A>C, p.Thr199Pro (NM_001042497.2); c.487A>C, p.Thr163Pro (NM_005135.2); c.640A>C, p.Thr214Pro (NM_133647.2); short protein forms T155P, T163P, T199P, T205P, T214P.
Identifiers: ClinVar variation 3899727 (VCV003899727.1).